The following is an entry in ClinVar:

NM_002230.4(JUP):c.275G>A (p.Gly92Asp)

Gene: JUP (junction plakoglobin; minus strand). Cytogenetic location: 17q21.2.
Variant type: single nucleotide variant.
Coding change: c.275G>A on transcript NM_002230.4 (MANE Select); coding-DNA position 275, G replaced by A.
Protein change: p.Gly92Asp; replaces glycine 92 with aspartic acid.
Molecular consequence: missense variant.
Genome position (GRCh38, 1-based): chr17:41,769,611, C>T on the plus strand (G>A on the coding strand, the complement: JUP is on the minus strand). VCF-style: chr17-41769611-C-T. GRCh37 (hg19) VCF-style: chr17-39925863-C-T.
Other names: c.275G>A, p.Gly92Asp (NM_001352773.2, NM_001352774.2, NM_001352775.2 and 3 more transcripts); short protein forms G92D.
Identifiers: ClinVar variation 468751 (VCV000468751.10), dbSNP rs782737074, ClinGen allele CA8565526.
Genomic context (GRCh38, chr17:41,769,611, plus strand): 5'-TTGGTGGCCTGCCCCTCCACCTGGGTGGCCAGCAGAAGCGAGCTGTCCTCGCCTGACACA[C>T]CAGGGCACATGGCCTCCCGCACCCGTTTGGCCCTGGCTGTTGTGGACATCTGGTACTCCA-3'
Protein context (NP_002221.1, residues 82-102): AKRVREAMCP[Gly92Asp]VSGEDSSLLL

ClinVar aggregate classification (germline): Conflicting classifications of pathogenicity. Review status: criteria provided, conflicting classifications (1 of 4 stars). 3 submissions from 3 submitters: Uncertain significance (2); Benign (1). Last evaluated 2024-10-13.

Conditions:
Naxos disease (NXD). Also called: KERATOSIS PALMOPLANTARIS WITH ARRHYTHMOGENIC CARDIOMYOPATHY; MAL DE NAXOS; PALMOPLANTAR KERATODERMA WITH ARRHYTHMOGENIC RIGHT VENTRICULAR CARDIOMYOPATHY AND WOOLLY HAIR; WOOLLY HAIR, PALMOPLANTAR KERATODERMA, AND CARDIAC ABNORMALITIES; CARDIOMYOPATHY, ARRHYTHMOGENIC RIGHT VENTRICULAR, WITH SKIN, HAIR, AND NAIL ABNORMALITIES. Identifiers: Orphanet 34217, MedGen C1832600, MONDO:0011017, OMIM 601214.
Arrhythmogenic right ventricular dysplasia 12. Also called: ARRHYTHMOGENIC RIGHT VENTRICULAR DYSPLASIA, FAMILIAL, 12. Identifiers: MedGen C1969081, MONDO:0012684, OMIM 611528.
Cardiovascular phenotype. Identifiers: MedGen CN230736.

Allele frequency attached by ClinVar (database versions not stated): TOPMed 0.00001; ExAC 0.00005.
gnomAD v4.1: 49 of 1,605,746 alleles (0.0031%); highest among the groups gnomAD compares: South Asian, 0.029%; no homozygotes.

Submissions (3):

Labcorp Genetics (formerly Invitae), Labcorp
Classification: Uncertain significance for Arrhythmogenic right ventricular dysplasia 12; Naxos disease. Last evaluated: 2024-10-13. Review status: criteria provided, single submitter. Criteria: Invitae Variant Classification Sherloc (09022015). Collection method: clinical testing. Allele origin: germline.
Comment: This sequence change replaces glycine, which is neutral and non-polar, with aspartic acid, which is acidic and polar, at codon 92 of the JUP protein (p.Gly92Asp). This variant is present in population databases (rs782737074, gnomAD 0.04%). This variant has not been reported in the literature in individuals affected with JUP-related conditions. ClinVar contains an entry for this variant (Variation ID: 468751). An algorithm developed to predict the effect of missense changes on protein structure and function (PolyPhen-2) suggests that this variant¬¨‚Ä†is likely to be tolerated. In summary, the available evidence is currently insufficient to determine the role of this variant in disease. Therefore, it has been classified as a Variant of Uncertain Significance.

MGZ Medical Genetics Center
Classification: Uncertain significance for Arrhythmogenic right ventricular dysplasia 12. Last evaluated: 2022-04-21. Review status: criteria provided, single submitter. Criteria: ACMG Guidelines, 2015. Collection method: clinical testing. Allele origin: germline. Affected: yes. Observed: 1 variant allele.
Comment: ACMG criteria applied: PM2_SUP, BP4

Ambry Genetics
Classification: Benign for Cardiovascular phenotype. Last evaluated: 2021-06-15. Review status: criteria provided, single submitter. Criteria: Ambry Variant Classification Scheme 2023. Collection method: clinical testing. Allele origin: germline.